The following is an entry in ClinVar:

ClinVar aggregate classification (germline): Uncertain significance (1 of 4 stars; one submission).

Conditions:
Tuberous sclerosis 2 (TSC2). Identifiers: Orphanet 805, MedGen C1860707, MONDO:0013199, OMIM 613254.

Submission:

Labcorp Genetics (formerly Invitae), Labcorp
Classification: Uncertain significance for Tuberous sclerosis 2. Last evaluated: 2021-07-14. Review status: criteria provided, single submitter. Criteria: Invitae Variant Classification Sherloc (09022015). Collection method: clinical testing. Allele origin: germline.
Comment: In summary, the available evidence is currently insufficient to determine the role of this variant in disease. Therefore, it has been classified as a Variant of Uncertain Significance. Experimental studies and prediction algorithms are not available or were not evaluated, and the functional significance of this variant is currently unknown. This variant has not been reported in the literature in individuals affected with TSC2-related conditions. This variant is not present in population databases (ExAC no frequency). This variant, c.718_720del, results in the deletion of 1 amino acid(s) of the TSC2 protein (p.Ile240del), but otherwise preserves the integrity of the reading frame.

NM_000548.5(TSC2):c.718_720del (p.Ile240del)

Gene: TSC2 (TSC complex subunit 2; plus strand). Cytogenetic location: 16p13.3.
Variant type: Deletion.
Coding change: c.718_720del on transcript NM_000548.5 (MANE Select); coding-DNA positions 718 to 720, 3 bases deleted (ATC; older notation c.718_720delATC).
Protein change: p.Ile240del; deletes isoleucine 240.
Molecular consequence: inframe deletion.
Genome position (GRCh38, 1-based): chr16:2,056,713-2,056,715, ATC deleted; deleting any 3 consecutive bases within chr16:2,056,711-2,056,715 gives the same sequence; the c. name uses the placement nearest the transcript's 3' end. VCF-style (leftmost placement, unchanged base first): chr16-2056710-TTCA-T. GRCh37 (hg19) VCF-style: chr16-2106711-TTCA-T.
Other names: c.718_720del, p.Ile240del (NM_001077183.3, NM_001114382.3, NM_001363528.2 and 3 more transcripts); c.607_609del, p.Ile203del (NM_001318827.2); c.571_573del, p.Ile191del (NM_001318829.2); c.118_120del, p.Ile40del (NM_001318831.2); c.751_753del, p.Ile251del (NM_001318832.2); short protein forms I240del, I40del, I191del, I203del, I251del.
Identifiers: ClinVar variation 1475171 (VCV001475171.8), dbSNP rs2151079854, ClinGen allele CA645594259.